The following is an entry in ClinVar:

ClinVar aggregate classification (germline): Uncertain significance (1 of 4 stars; one submission).

Allele frequency attached by ClinVar (database versions not stated): ExAC 0.00007; TOPMed 0.00002.
gnomAD v4.1: 10 of 1,614,232 alleles (0.00062%); highest among the groups gnomAD compares: Admixed American, 0.017%; no homozygotes.

Submission:

Labcorp Genetics (formerly Invitae), Labcorp
Classification: Uncertain significance. Last evaluated: 2026-01-11. Review status: criteria provided, single submitter. Criteria: Invitae Variant Classification Sherloc (09022015). Collection method: clinical testing. Allele origin: germline.
Comment: This sequence change replaces asparagine, which is neutral and polar, with threonine, which is neutral and polar, at codon 454 of the IRF2BP2 protein (p.Asn454Thr). This variant is present in population databases (rs770166969, gnomAD 0.03%). This variant has not been reported in the literature in individuals affected with IRF2BP2-related conditions. ClinVar contains an entry for this variant (Variation ID: 2756171). An algorithm developed to predict the effect of missense changes on protein structure and function (PolyPhen-2) suggests that this variant is likely to be disruptive. In summary, the available evidence is currently insufficient to determine the role of this variant in disease. Therefore, it has been classified as a Variant of Uncertain Significance.

NM_182972.3(IRF2BP2):c.1361A>C (p.Asn454Thr)

Gene: IRF2BP2 (interferon regulatory factor 2 binding protein 2; minus strand). Cytogenetic location: 1q42.3.
Variant type: single nucleotide variant.
Coding change: c.1361A>C on transcript NM_182972.3 (MANE Select); coding-DNA position 1361, A replaced by C.
Protein change: p.Asn454Thr; replaces asparagine 454 with threonine.
Molecular consequence: missense variant.
Genome position (GRCh38, 1-based): chr1:234,607,540, T>G on the plus strand (A>C on the coding strand, the complement: IRF2BP2 is on the minus strand). VCF-style: chr1-234607540-T-G. GRCh37 (hg19) VCF-style: chr1-234743286-T-G.
Other names: c.1313A>C, p.Asn438Thr (NM_001077397.1); short protein forms N438T, N454T.
Identifiers: ClinVar variation 2756171 (VCV002756171.3), dbSNP rs770166969, ClinGen allele CA1461581.